The following is an entry in ClinVar:

ClinVar aggregate classification (germline): Uncertain significance (1 of 4 stars; one submission).

Conditions:
Cardiovascular phenotype. Identifiers: MedGen CN230736.

Allele frequency attached by ClinVar (database versions not stated): TOPMed below 0.00001; ExAC 0.00001; gnomAD 0.00001; gnomAD exomes 0.00001; 1000 Genomes Project 30x 0.00016; 1000 Genomes Project 0.00020.

Submission:

Ambry Genetics
Classification: Uncertain significance for Cardiovascular phenotype. Last evaluated: 2018-07-05. Review status: criteria provided, single submitter. Criteria: Ambry Variant Classification Scheme 2023. Collection method: clinical testing. Allele origin: germline.
Comment: The p.G58S variant (also known as c.172G>A), located in coding exon 1 of the KCNJ5 gene, results from a G to A substitution at nucleotide position 172. The glycine at codon 58 is replaced by serine, an amino acid with similar properties. This amino acid position is highly conserved in available vertebrate species. In addition, this alteration is predicted to be deleterious by in silico analysis. Since supporting evidence is limited at this time, the clinical significance of this alteration remains unclear.

NM_000890.5(KCNJ5):c.172G>A (p.Gly58Ser)

Gene: KCNJ5 (potassium inwardly rectifying channel subfamily J member 5; plus strand). Cytogenetic location: 11q24.3.
Variant type: single nucleotide variant.
Coding change: c.172G>A on transcript NM_000890.5 (MANE Select); coding-DNA position 172, G replaced by A.
Protein change: p.Gly58Ser; replaces glycine 58 with serine.
Molecular consequence: missense variant.
Genome position (GRCh38, 1-based): chr11:128,911,445, G>A. VCF-style: chr11-128911445-G-A. GRCh37 (hg19) VCF-style: chr11-128781340-G-A.
Other names: c.172G>A, p.Gly58Ser (NM_001354169.2); short protein forms G58S.
Identifiers: ClinVar variation 1778953 (VCV001778953.2), dbSNP rs550909372, ClinGen allele CA6357833.